The following is an entry in ClinVar:

NM_014444.5(TUBGCP4):c.406G>A (p.Val136Met)

Gene: TUBGCP4 (tubulin gamma complex component 4; plus strand). Cytogenetic location: 15q15.3.
Variant type: single nucleotide variant.
Coding change: c.406G>A on transcript NM_014444.5 (MANE Select); coding-DNA position 406, G replaced by A.
Protein change: p.Val136Met; replaces valine 136 with methionine.
Molecular consequence: missense variant.
Genome position (GRCh38, 1-based): chr15:43,377,868, G>A. VCF-style: chr15-43377868-G-A. GRCh37 (hg19) VCF-style: chr15-43670066-G-A.
Other names: c.406G>A, p.Val136Met (NM_001286414.3); short protein forms V136M.
Identifiers: ClinVar variation 2111702 (VCV002111702.4), dbSNP rs2044232845, ClinGen allele CA392117145.

ClinVar aggregate classification (germline): Uncertain significance (1 of 4 stars; one submission).

Allele frequency attached by ClinVar (database versions not stated): TOPMed below 0.00001.

Submission:

Labcorp Genetics (formerly Invitae), Labcorp
Classification: Uncertain significance. Last evaluated: 2022-06-15. Review status: criteria provided, single submitter. Criteria: Invitae Variant Classification Sherloc (09022015). Collection method: clinical testing. Allele origin: germline.
Comment: This sequence change replaces valine, which is neutral and non-polar, with methionine, which is neutral and non-polar, at codon 136 of the TUBGCP4 protein (p.Val136Met). This variant is not present in population databases (gnomAD no frequency). This variant has not been reported in the literature in individuals affected with TUBGCP4-related conditions. Algorithms developed to predict the effect of missense changes on protein structure and function (SIFT, PolyPhen-2, Align-GVGD) all suggest that this variant is likely to be tolerated. In summary, the available evidence is currently insufficient to determine the role of this variant in disease. Therefore, it has been classified as a Variant of Uncertain Significance.